The following is an entry in ClinVar:

ClinVar aggregate classification (germline): Uncertain significance (1 of 4 stars; one submission).

Submission:

Labcorp Genetics (formerly Invitae), Labcorp
Classification: Uncertain significance. Last evaluated: 2024-08-29. Review status: criteria provided, single submitter. Criteria: Invitae Variant Classification Sherloc (09022015). Collection method: clinical testing. Allele origin: germline.
Comment: This sequence change falls in intron 2 of the TNNI3K gene. It does not directly change the encoded amino acid sequence of the TNNI3K protein. It affects a nucleotide within the consensus splice site. This variant is not present in population databases (gnomAD no frequency). This variant has not been reported in the literature in individuals affected with TNNI3K-related conditions. Variants that disrupt the consensus splice site are a relatively common cause of aberrant splicing (PMID: 17576681, 9536098). Algorithms developed to predict the effect of sequence changes on RNA splicing suggest that this variant may disrupt the consensus splice site. In summary, the available evidence is currently insufficient to determine the role of this variant in disease. Therefore, it has been classified as a Variant of Uncertain Significance.

Literature cited by the submitters: PubMed 17576681; PubMed 9536098.

NM_015978.3(TNNI3K):c.149+4A>G

Genes: FPGT-TNNI3K (FPGT-TNNI3K readthrough; plus strand), TNNI3K (TNNI3 interacting kinase; plus strand). Cytogenetic location: 1p31.1.
Variant type: single nucleotide variant.
Coding change: c.149+4A>G on transcript NM_015978.3 (MANE Select); 4 bases into the intron after coding-DNA position 149, A replaced by G.
Molecular consequence: intron variant.
Genome position (GRCh38, 1-based): chr1:74,236,214, A>G. VCF-style: chr1-74236214-A-G. GRCh37 (hg19) VCF-style: chr1-74701898-A-G.
Other names: c.452+4A>G (NM_001199327.2, NM_001112808.3).
Identifiers: ClinVar variation 3663928 (VCV003663928.2).